The following is an entry in ClinVar:

NM_000228.3(LAMB3):c.1439_1443del (p.Pro480fs)

Gene: LAMB3 (laminin subunit beta 3; minus strand). Cytogenetic location: 1q32.2.
Variant type: Deletion.
Coding change: c.1439_1443del on transcript NM_000228.3 (MANE Select); coding-DNA positions 1439 to 1443, 5 bases deleted (CGTGT; older notation c.1439_1443delCGTGT).
Protein change: p.Pro480fs; shifts the reading frame from proline 480.
Molecular consequence: frameshift variant.
Genome position (GRCh38, 1-based): chr1:209,627,425-209,627,429, ACACG deleted on the plus strand (CGTGT on the coding strand, the reverse complement: LAMB3 is on the minus strand). VCF-style (leftmost placement, unchanged base first): chr1-209627424-CACACG-C. GRCh37 (hg19) VCF-style: chr1-209800769-CACACG-C.
Other names: c.1439_1443del, p.Pro480fs (NM_001017402.2, NM_001127641.1); c.1439_1443delCGTGT (NM_000228.2); short protein forms P480fs.
Identifiers: ClinVar variation 14547 (VCV000014547.3), dbSNP rs786205095, ClinGen allele CA257282.

ClinVar aggregate classification (germline): Pathogenic. Review status: criteria provided, single submitter (1 of 4 stars). 2 submissions from 2 submitters: Pathogenic (1). 1 of the submissions does not count toward it. Last evaluated 2022-04-27.

Conditions:
Junctional epidermolysis bullosa. Identifiers: Orphanet 305, MedGen C0079301, MONDO:0017612.
Junctional epidermolysis bullosa, non-Herlitz type. Also called: EPIDERMOLYSIS BULLOSA, JUNCTIONAL 1A, INTERMEDIATE; EPIDERMOLYSIS BULLOSA JUNCTIONALIS, DISENTIS TYPE; EPIDERMOLYSIS BULLOSA JUNCTIONALIS, NON-HERLITZ TYPE; EPIDERMOLYSIS BULLOSA JUNCTIONALIS, PROGRESSIVE; EPIDERMOLYSIS BULLOSA JUNCTIONALIS, SEVERE NONLETHAL; Adult junctional epidermolysis bullosa. Identifiers: Orphanet 251393, Orphanet 79402, Orphanet 79405, Orphanet 89840, MedGen C0268374, MONDO:0009180, OMIM 226650.

Submissions (2):

Women's Health and Genetics/Laboratory Corporation of America, LabCorp
Classification: Pathogenic for Junctional epidermolysis bullosa. Last evaluated: 2022-04-27. Review status: criteria provided, single submitter. Criteria: LabCorp Variant Classification Summary - May 2015. Collection method: clinical testing. Allele origin: germline.
Comment: Variant summary: LAMB3 c.1439_1443delCGTGT (p.Pro480ArgfsX54) results in a premature termination codon, predicted to cause a truncation of the encoded protein or absence of the protein due to nonsense mediated decay, which are commonly known mechanisms for disease. Truncations downstream of this position have been classified as pathogenic by our laboratory. The variant was absent in 250770 control chromosomes (gnomAD). c.1439_1443delCGTGT has been reported in the literature in at least two compound heterozygous individuals (siblings) affected with Junctional Epidermolysis Bullosa in one family (Pulkkinen_1998). These data indicate that the variant may be associated with disease. To our knowledge, no experimental evidence demonstrating an impact on protein function has been reported. No clinical diagnostic laboratories have submitted clinical-significance assessments for this variant to ClinVar after 2014. Based on the evidence outlined above, the variant was classified as pathogenic.

OMIM
Classification: Pathogenic for EPIDERMOLYSIS BULLOSA, JUNCTIONAL 1A, INTERMEDIATE. Last evaluated: 1998-12-01. Review status: no assertion criteria provided. Collection method: literature only. Allele origin: germline. Not counted in ClinVar's aggregate classification.

Literature cited by the submitters: PubMed 29900604 (cited by Women's Health and Genetics/Laboratory Corporation of America, LabCorp); PubMed 30046887 (cited by Women's Health and Genetics/Laboratory Corporation of America, LabCorp); PubMed 9856855 (cited by Women's Health and Genetics/Laboratory Corporation of America, LabCorp and OMIM); PubMed 9038345 (cited by OMIM).